The following is an entry in ClinVar:

NM_023014.1(PRAMEF2):c.314T>A (p.Leu105Ter)

Genes: PRAMEF2 (PRAME family member 2; plus strand), LOC126805622 (CDK7 strongly-dependent group 2 enhancer GRCh37_chr1:12919058-12920257; plus strand). Cytogenetic location: 1p36.21.
Variant type: single nucleotide variant.
Coding change: c.314T>A on transcript NM_023014.1 (MANE Select); coding-DNA position 314, T replaced by A.
Protein change: p.Leu105Ter; replaces leucine 105 with a stop codon.
Molecular consequence: nonsense.
Genome position (GRCh38, 1-based): chr1:12,859,719, T>A. VCF-style: chr1-12859719-T-A. GRCh37 (hg19) VCF-style: chr1-12919574-T-A.
Other names: short protein forms L105*.
Identifiers: ClinVar variation 2638269 (VCV002638269.24), dbSNP rs78738981, ClinGen allele CA607973.

ClinVar aggregate classification (germline): Likely benign (1 of 4 stars; one submission).

Allele frequency attached by ClinVar (database versions not stated): gnomAD exomes 0.00001; ExAC 0.00676.

Submission:

CeGaT Center for Human Genetics Tuebingen
Classification: Likely benign. Last evaluated: 2024-07-01. Review status: criteria provided, single submitter. Criteria: CeGaT Center For Human Genetics Tuebingen Variant Classification Criteria Version 2. Collection method: clinical testing. Allele origin: germline. Affected: yes. Observed: 6 variant alleles.
Comment: PRAMEF2: BS2